The following is an entry in ClinVar:

ClinVar aggregate classification (germline): Pathogenic (1 of 4 stars; one submission).

Submission:

Labcorp Genetics (formerly Invitae), Labcorp
Classification: Pathogenic. Last evaluated: 2021-05-26. Review status: criteria provided, single submitter. Criteria: Invitae Variant Classification Sherloc (09022015). Collection method: clinical testing. Allele origin: germline.
Comment: For these reasons, this variant has been classified as Pathogenic. This variant has not been reported in the literature in individuals with HSPG2-related conditions. This variant is not present in population databases (ExAC no frequency). This sequence change creates a premature translational stop signal (p.Glu3224*) in the HSPG2 gene. It is expected to result in an absent or disrupted protein product. Loss-of-function variants in HSPG2 are known to be pathogenic (PMID: 11279527, 16927315, 20542149, 23836246).

Literature cited by the submitters: PubMed 11279527; PubMed 16927315; PubMed 20542149; PubMed 23836246.

NM_005529.7(HSPG2):c.9670G>T (p.Glu3224Ter)

Gene: HSPG2 (heparan sulfate proteoglycan 2; minus strand). Cytogenetic location: 1p36.12.
Variant type: single nucleotide variant.
Coding change: c.9670G>T on transcript NM_005529.7 (MANE Select); coding-DNA position 9670, G replaced by T.
Protein change: p.Glu3224Ter; replaces glutamic acid 3224 with a stop codon.
Molecular consequence: nonsense.
Genome position (GRCh38, 1-based): chr1:21,839,861, C>A on the plus strand (G>T on the coding strand, the complement: HSPG2 is on the minus strand). VCF-style: chr1-21839861-C-A. GRCh37 (hg19) VCF-style: chr1-22166354-C-A.
Other names: c.9673G>T, p.Glu3225Ter (NM_001291860.2); short protein forms E3224*, E3225*.
Identifiers: ClinVar variation 1453692 (VCV001453692.6), dbSNP rs2152703859, ClinGen allele CA338913327.